The following is an entry in ClinVar:

NM_000059.4(BRCA2):c.5389_5390del (p.Ala1797fs)

Gene: BRCA2 (BRCA2 DNA repair associated; plus strand). Cytogenetic location: 13q13.1.
Variant type: Deletion.
Coding change: c.5389_5390del on transcript NM_000059.4 (MANE Select); coding-DNA positions 5389 to 5390, 2 bases deleted (GC; older notation c.5389_5390delGC).
Protein change: p.Ala1797fs; shifts the reading frame from alanine 1797.
Molecular consequence: frameshift variant.
Genome position (GRCh38, 1-based): chr13:32,339,744-32,339,745, GC deleted. VCF-style (leftmost placement, unchanged base first): chr13-32339743-TGC-T. GRCh37 (hg19) VCF-style: chr13-32913880-TGC-T.
Other names: c.5389_5390delGC (NM_000059.3); short protein forms A1797fs.
Identifiers: ClinVar variation 51849 (VCV000051849.3), dbSNP rs397507783, ClinGen allele CA022198.

ClinVar aggregate classification (germline): Pathogenic. Review status: reviewed by expert panel (3 of 4 stars). 2 submissions from 2 submitters: Pathogenic (1). 1 of the submissions does not count toward it. Last evaluated 2017-12-15.

Conditions:
Familial cancer of breast. Also called: BREAST CANCER, FAMILIAL; Hereditary breast cancer; hereditary breast carcinoma. Identifiers: Orphanet 227535, MedGen C0346153, MONDO:0016419, OMIM 114480. Disease mechanism: loss of function.
Breast-ovarian cancer, familial, susceptibility to, 2 (BROVCA2). Also called: BRCA2 Hereditary Breast and Ovarian Cancer. Identifiers: Orphanet 145, MedGen C2675520, MONDO:0012933, OMIM 612555. Disease mechanism: loss of function.

Submissions (2):

Evidence-based Network for the Interpretation of Germline Mutant Alleles (ENIGMA)
Classification: Pathogenic for Breast-ovarian cancer, familial, susceptibility to, 2. Last evaluated: 2017-12-15. Review status: reviewed by expert panel. Criteria: ENIGMA BRCA1/2 Classification Criteria (2017-06-29). Collection method: curation. Allele origin: germline. Study: ENIGMA.
Comment: Variant allele predicted to encode a truncated non-functional protein.

ClinVar Staff, National Center for Biotechnology Information (NCBI)
No classification provided. Condition: Familial cancer of breast. Review status: no classification provided. Collection method: literature only. Allele origin: germline. Affected: yes. Not counted in ClinVar's aggregate classification.

Literature cited by the submitters: PubMed 8673091 (cited by ClinVar Staff, National Center for Biotechnology Information (NCBI)).